The following is an entry in ClinVar:

ClinVar aggregate classification (germline): Conflicting classifications of pathogenicity. Review status: criteria provided, conflicting classifications (1 of 4 stars). 2 submissions from 2 submitters: Uncertain significance (1); Likely benign (1). Last evaluated 2025-12-29.

Allele frequency attached by ClinVar (database versions not stated): TOPMed 0.00004; gnomAD exomes 0.00007 and 0.00008; ExAC 0.00009; gnomAD 0.00013 and 0.00014.
gnomAD v4.1: 125 of 1,584,974 alleles (0.0079%); highest among the groups gnomAD compares: Non-Finnish European, 0.01%; no homozygotes.

Submissions (2):

Labcorp Genetics (formerly Invitae), Labcorp
Classification: Uncertain significance. Last evaluated: 2025-12-29. Review status: criteria provided, single submitter. Criteria: Invitae Variant Classification Sherloc (09022015). Collection method: clinical testing. Allele origin: germline.
Comment: This sequence change falls in intron 2 of the FAT1 gene. It does not directly change the encoded amino acid sequence of the FAT1 protein. It affects a nucleotide within the consensus splice site. This variant is present in population databases (rs752682791, gnomAD 0.02%). This variant has not been reported in the literature in individuals affected with FAT1-related conditions. ClinVar contains an entry for this variant (Variation ID: 1347283). Variants that disrupt the consensus splice site are a relatively common cause of aberrant splicing (PMID: 17576681, 9536098). Algorithms developed to predict the effect of sequence changes on RNA splicing suggest that this variant is not likely to affect RNA splicing. In summary, the available evidence is currently insufficient to determine the role of this variant in disease. Therefore, it has been classified as a Variant of Uncertain Significance.

Blueprint Genetics
Classification: Likely benign. Last evaluated: 2024-10-21. Review status: criteria provided, single submitter. Criteria: ACMG Guidelines, 2015. Collection method: clinical testing. Allele origin: germline.

Literature cited by the submitters: PubMed 17576681 (cited by Labcorp Genetics (formerly Invitae), Labcorp); PubMed 9536098 (cited by Labcorp Genetics (formerly Invitae), Labcorp).

NM_005245.4(FAT1):c.3265+5A>G

Gene: FAT1 (FAT atypical cadherin 1; minus strand). Cytogenetic location: 4q35.2.
Variant type: single nucleotide variant.
Coding change: c.3265+5A>G on transcript NM_005245.4 (MANE Select); 5 bases into the intron after coding-DNA position 3265, A replaced by G.
Molecular consequence: intron variant.
Genome position (GRCh38, 1-based): chr4:186,706,558, T>C on the plus strand (A>G on the coding strand, the complement: FAT1 is on the minus strand). VCF-style: chr4-186706558-T-C. GRCh37 (hg19) VCF-style: chr4-187627712-T-C.
Identifiers: ClinVar variation 1347283 (VCV001347283.7), dbSNP rs752682791, ClinGen allele CA3167070.
Genomic context (GRCh38, chr4:186,706,558, plus strand): 5'-AGATGGTTAAAAAAAAAAAAAAAATGGAAAAGGGCATCAAATGAGAGCAATAAAAACATA[T>C]TTACCTGTCTCTTCACCTATTTTGAAAACACCAACGCCAGAGCCATCTCTAATGGAGTAT-3'